The following is an entry in ClinVar:

ClinVar aggregate classification (germline): Uncertain significance. Review status: criteria provided, multiple submitters, no conflicts (2 of 4 stars). 3 submissions from 3 submitters: Uncertain significance (3). Last evaluated 2024-12-04.

Conditions:
Inborn genetic diseases. Identifiers: MedGen C0950123, MeSH D030342.

Allele frequency attached by ClinVar (database versions not stated): gnomAD exomes 0.00002; TOPMed 0.00003; ExAC 0.00001; gnomAD 0.00001.
gnomAD v4.1: 30 of 1,614,068 alleles (0.0019%); highest among the groups gnomAD compares: Admixed American, 0.012%; no homozygotes.

Submissions (3):

Ambry Genetics
Classification: Uncertain significance for Inborn genetic diseases. Last evaluated: 2024-12-04. Review status: criteria provided, single submitter. Criteria: Ambry Variant Classification Scheme 2023. Collection method: clinical testing. Allele origin: germline.

Labcorp Genetics (formerly Invitae), Labcorp
Classification: Uncertain significance. Last evaluated: 2023-02-09. Review status: criteria provided, single submitter. Criteria: Invitae Variant Classification Sherloc (09022015). Collection method: clinical testing. Allele origin: germline.
Comment: This sequence change replaces asparagine, which is neutral and polar, with serine, which is neutral and polar, at codon 2537 of the DNAH9 protein (p.Asn2537Ser). This variant is present in population databases (rs754600128, gnomAD 0.01%). This variant has not been reported in the literature in individuals affected with DNAH9-related conditions. Advanced modeling of protein sequence and biophysical properties (such as structural, functional, and spatial information, amino acid conservation, physicochemical variation, residue mobility, and thermodynamic stability) performed at Invitae indicates that this missense variant is not expected to disrupt DNAH9 protein function. In summary, the available evidence is currently insufficient to determine the role of this variant in disease. Therefore, it has been classified as a Variant of Uncertain Significance.

Breakthrough Genomics
Classification: Uncertain significance. Review status: criteria provided, single submitter. Criteria: ACMG Guidelines, 2015. Collection method: not provided. Allele origin: germline. Inheritance: Autosomal recessive inheritance. Affected: yes.

NM_001372.4(DNAH9):c.7610A>G (p.Asn2537Ser)

Gene: DNAH9 (dynein axonemal heavy chain 9; plus strand). Cytogenetic location: 17p12.
Variant type: single nucleotide variant.
Coding change: c.7610A>G on transcript NM_001372.4 (MANE Select); coding-DNA position 7610, A replaced by G.
Protein change: p.Asn2537Ser; replaces asparagine 2537 with serine.
Molecular consequence: missense variant.
Genome position (GRCh38, 1-based): chr17:11,781,066, A>G. VCF-style: chr17-11781066-A-G. GRCh37 (hg19) VCF-style: chr17-11684383-A-G.
Other names: c.7610A>G (NM_001372.3); short protein forms N2537S.
Identifiers: ClinVar variation 2857968 (VCV002857968.3), dbSNP rs754600128, ClinGen allele CA8396668.